The following is an entry in ClinVar:

ClinVar aggregate classification (germline): Conflicting classifications of pathogenicity. Review status: criteria provided, conflicting classifications (1 of 4 stars). 4 submissions from 4 submitters: Uncertain significance (3); Benign (1). Last evaluated 2025-12-29.

Conditions:
Deficiency of malonyl-CoA decarboxylase. Also called: Malonic aciduria; MCD deficiency. Identifiers: Orphanet 943, MedGen C0342793, MONDO:0009556, OMIM 248360.

Allele frequency attached by ClinVar (database versions not stated): TOPMed 0.00018; gnomAD exomes 0.00023 and 0.00042; gnomAD 0.00024 and 0.00025; ExAC 0.00028.

Submissions (4):

Labcorp Genetics (formerly Invitae), Labcorp
Classification: Benign for Deficiency of malonyl-CoA decarboxylase. Last evaluated: 2025-12-29. Review status: criteria provided, single submitter. Criteria: Invitae Variant Classification Sherloc (09022015). Collection method: clinical testing. Allele origin: germline.

Women's Health and Genetics/Laboratory Corporation of America, LabCorp
Classification: Uncertain significance. Last evaluated: 2024-10-10. Review status: criteria provided, single submitter. Criteria: LabCorp Variant Classification Summary - May 2015. Collection method: clinical testing. Allele origin: germline.
Comment: Variant summary: MLYCD c.1328G>C (p.Gly443Ala) results in a non-conservative amino acid change located in the Malonyl-CoA decarboxylase, C-terminal domain (IPR007956) of the encoded protein sequence. Five of five in-silico tools predict a damaging effect of the variant on protein function. The variant allele was found at a frequency of 0.00024 in 1613784 control chromosomes, predominantly at a frequency of 8.5e-05 within the Non-Finnish European subpopulation in the gnomAD database (gnomAD v4.1.0). To our knowledge, no occurrence of c.1328G>C in individuals affected with Deficiency Of Malonyl-CoA Decarboxylase and no experimental evidence demonstrating its impact on protein function have been reported. ClinVar contains an entry for this variant (Variation ID: 320735). Based on the evidence outlined above, the variant was classified as uncertain significance.

Genomic Research Center, Shahid Beheshti University of Medical Sciences
Classification: Uncertain significance for Deficiency of malonyl-CoA decarboxylase. Last evaluated: 2018-03-05. Review status: criteria provided, single submitter. Criteria: ACMG Guidelines, 2015. Collection method: clinical testing. Allele origin: inherited. Affected: no. Observed: 1 variant allele.

Illumina Laboratory Services, Illumina
Classification: Uncertain significance for Deficiency of malonyl-CoA decarboxylase. Last evaluated: 2018-01-13. Review status: criteria provided, single submitter. Criteria: ICSL Variant Classification Criteria 13 December 2019. Collection method: clinical testing. Allele origin: germline.

NM_012213.3(MLYCD):c.1328G>C (p.Gly443Ala)

Gene: MLYCD (malonyl-CoA decarboxylase; plus strand). Cytogenetic location: 16q23.3.
Variant type: single nucleotide variant.
Coding change: c.1328G>C on transcript NM_012213.3 (MANE Select); coding-DNA position 1328, G replaced by C.
Protein change: p.Gly443Ala; replaces glycine 443 with alanine.
Molecular consequence: missense variant.
Genome position (GRCh38, 1-based): chr16:83,915,335, G>C. VCF-style: chr16-83915335-G-C. GRCh37 (hg19) VCF-style: chr16-83948940-G-C.
Other names: short protein forms G443A.
Identifiers: ClinVar variation 320735 (VCV000320735.20), dbSNP rs200278015, ClinGen allele CA8197597.